The following is an entry in ClinVar:

NM_018489.3(ASH1L):c.4257G>A (p.Thr1419=)

Gene: ASH1L (ASH1 like histone lysine methyltransferase; minus strand). Cytogenetic location: 1q22.
Variant type: single nucleotide variant.
Coding change: c.4257G>A on transcript NM_018489.3 (MANE Select); coding-DNA position 4257, G replaced by A.
Protein change: p.Thr1419=; no amino-acid change (threonine 1419 retained).
Molecular consequence: synonymous variant.
Genome position (GRCh38, 1-based): chr1:155,478,613, C>T on the plus strand (G>A on the coding strand, the complement: ASH1L is on the minus strand). VCF-style: chr1-155478613-C-T. GRCh37 (hg19) VCF-style: chr1-155448404-C-T.
Other names: c.4257G>A, p.Thr1419= (NM_001366177.2).
Identifiers: ClinVar variation 4534277 (VCV004534277.6).
Genomic context (GRCh38, chr1:155,478,613, plus strand): 5'-GTATTTGGCAGGATTGAGAAGTAAATGACCAGCATGCATATAGGAAGGAGGTGGAAGTGG[C>T]GTGGTGAAAGAAGGAGATGGAGGAGGTGGATAAAGAGTGGGAGGATACCTTCCATAGTAA-3'
Protein context (NP_060959.2, residues 1409-1429): YPPPPSPSFT[Thr1419=]PLPPPSYMHA

ClinVar aggregate classification (germline): Likely benign (1 of 4 stars; one submission).

gnomAD v4.1: 256 of 1,613,804 alleles (0.016%); highest among the groups gnomAD compares: Admixed American, 0.34%; no homozygotes.

Submission:

CeGaT Center for Human Genetics Tuebingen
Classification: Likely benign. Last evaluated: 2026-03-01. Review status: criteria provided, single submitter. Criteria: CeGaT Center For Human Genetics Tuebingen Variant Classification Criteria Version 2. Collection method: clinical testing. Allele origin: germline. Affected: yes. Observed: 2 variant alleles.
Comment: ASH1L: BP4, BP7, BS1